The following is an entry in ClinVar:

NM_001286577.2(C2CD3):c.1251G>T (p.Gly417=)

Gene: C2CD3 (C2 domain containing 3 centriole elongation regulator; minus strand). Cytogenetic location: 11q13.4.
Variant type: single nucleotide variant.
Coding change: c.1251G>T on transcript NM_001286577.2 (MANE Select); coding-DNA position 1251, G replaced by T.
Protein change: p.Gly417=; no amino-acid change (glycine 417 retained).
Molecular consequence: synonymous variant.
Genome position (GRCh38, 1-based): chr11:74,123,102, C>A on the plus strand (G>T on the coding strand, the complement: C2CD3 is on the minus strand). VCF-style: chr11-74123102-C-A. GRCh37 (hg19) VCF-style: chr11-73834147-C-A.
Other names: c.1251G>T, p.Gly417= (NM_015531.6).
Identifiers: ClinVar variation 727358 (VCV000727358.13), dbSNP rs142542867, ClinGen allele CA6182995.

ClinVar aggregate classification (germline): Benign/Likely benign. Review status: criteria provided, multiple submitters, no conflicts (2 of 4 stars). 4 submissions from 4 submitters: Benign (2); Likely benign (1). 1 of the submissions does not count toward it. Last evaluated 2025-12-16.

Conditions:
C2CD3-related disorder. Also called: C2CD3-related condition.

Allele frequency attached by ClinVar (database versions not stated): gnomAD exomes 0.00031; ExAC 0.00039; gnomAD 0.00132 and 0.00139; TOPMed 0.00147; ESP Exome Variant Server 0.00154; 1000 Genomes Project 0.00160; 1000 Genomes Project 30x 0.00187.
gnomAD v4.1: 375 of 1,612,884 alleles (0.023%); highest among the groups gnomAD compares: African/African-American, 0.44%; no homozygotes.

Submissions (4):

Labcorp Genetics (formerly Invitae), Labcorp
Classification: Benign. Last evaluated: 2025-12-16. Review status: criteria provided, single submitter. Criteria: Invitae Variant Classification Sherloc (09022015). Collection method: clinical testing. Allele origin: germline.

Blueprint Genetics
Classification: Likely benign. Last evaluated: 2024-02-12. Review status: criteria provided, single submitter. Criteria: ACMG Guidelines, 2015. Collection method: clinical testing. Allele origin: germline.

Breakthrough Genomics
Classification: Benign. Review status: criteria provided, single submitter. Criteria: ACMG Guidelines, 2015. Collection method: not provided. Allele origin: germline. Inheritance: Autosomal recessive inheritance. Affected: yes.

PreventionGenetics, part of Exact Sciences
Classification: Likely benign for C2CD3-related condition. Last evaluated: 2019-03-06. Review status: no assertion criteria provided. Collection method: clinical testing. Allele origin: germline. Not counted in ClinVar's aggregate classification.
Comment: This variant is classified as likely benign based on ACMG/AMP sequence variant interpretation guidelines (Richards et al. 2015 PMID: 25741868, with internal and published modifications).